The following is an entry in ClinVar:

ClinVar aggregate classification (germline): Uncertain significance (1 of 4 stars; one submission).

Submission:

GeneDx
Classification: Uncertain significance. Last evaluated: 2022-06-07. Review status: criteria provided, single submitter. Criteria: GeneDx Variant Classification Process June 2021. Collection method: clinical testing. Allele origin: germline. Affected: yes.
Comment: Not observed at significant frequency in large population cohorts (gnomAD); In silico analysis supports that this missense variant has a deleterious effect on protein structure/function; Has not been previously published as pathogenic or benign to our knowledge

NM_001353345.2(SETD1B):c.3443C>G (p.Ser1148Cys)

Gene: SETD1B (SET domain containing 1B, histone lysine methyltransferase; plus strand). Cytogenetic location: 12q24.31.
Variant type: single nucleotide variant.
Coding change: c.3443C>G on transcript NM_001353345.2 (MANE Select); coding-DNA position 3443, C replaced by G.
Protein change: p.Ser1148Cys; replaces serine 1148 with cysteine.
Molecular consequence: missense variant.
Genome position (GRCh38, 1-based): chr12:121,819,428, C>G. VCF-style: chr12-121819428-C-G. GRCh37 (hg19) VCF-style: chr12-122257334-C-G.
Other names: short protein forms S1148C.
Identifiers: ClinVar variation 1803358 (VCV001803358.1), dbSNP rs2500220333, ClinGen allele CA386996907.